The following is an entry in ClinVar:

ClinVar aggregate classification (germline): Uncertain significance (1 of 4 stars; one submission).

Conditions:
Glycogen storage disease type III (GSD3). Also called: FORBES DISEASE; Cori disease. Identifiers: Orphanet 366, MedGen C0017922, MONDO:0009291, OMIM 232400.

Allele frequency attached by ClinVar (database versions not stated): gnomAD exomes below 0.00001.
gnomAD v4.1: 1 of 1,614,124 alleles (0.000062%); highest among the groups gnomAD compares: Non-Finnish European, 0.000085%; no homozygotes.

Submission:

Labcorp Genetics (formerly Invitae), Labcorp
Classification: Uncertain significance for Glycogen storage disease type III. Last evaluated: 2021-08-28. Review status: criteria provided, single submitter. Criteria: Invitae Variant Classification Sherloc (09022015). Collection method: clinical testing. Allele origin: germline.
Comment: This sequence change replaces serine with proline at codon 1369 of the AGL protein (p.Ser1369Pro). The serine residue is moderately conserved and there is a moderate physicochemical difference between serine and proline. This variant is not present in population databases (ExAC no frequency). This variant has not been reported in the literature in individuals affected with AGL-related conditions. Algorithms developed to predict the effect of missense changes on protein structure and function are either unavailable or do not agree on the potential impact of this missense change (SIFT: "Tolerated"; PolyPhen-2: "Possibly Damaging"; Align-GVGD: "Class C0"). In summary, the available evidence is currently insufficient to determine the role of this variant in disease. Therefore, it has been classified as a Variant of Uncertain Significance.

NM_000642.3(AGL):c.4105T>C (p.Ser1369Pro)

Gene: AGL (amylo-alpha-1,6-glucosidase and 4-alpha-glucanotransferase; plus strand). Cytogenetic location: 1p21.2.
Variant type: single nucleotide variant.
Coding change: c.4105T>C on transcript NM_000642.3 (MANE Select); coding-DNA position 4105, T replaced by C.
Protein change: p.Ser1369Pro; replaces serine 1369 with proline.
Molecular consequence: missense variant.
Genome position (GRCh38, 1-based): chr1:99,913,682, T>C. VCF-style: chr1-99913682-T-C. GRCh37 (hg19) VCF-style: chr1-100379238-T-C.
Other names: c.4105T>C, p.Ser1369Pro (NM_000028.3, NM_000643.3, NM_000644.3 and 1 more transcripts); c.4057T>C, p.Ser1353Pro (NM_000646.3); c.4084T>C, p.Ser1362Pro (NM_001425326.1); c.3904T>C, p.Ser1302Pro (NM_001425327.1); c.3901T>C, p.Ser1301Pro (NM_001425328.1); c.3766T>C, p.Ser1256Pro (NM_001425329.1); c.3727T>C, p.Ser1243Pro (NM_001425332.1); short protein forms S1369P, S1353P, S1243P, S1256P, S1301P, S1302P, S1362P.
Identifiers: ClinVar variation 1487350 (VCV001487350.5), dbSNP rs2100860247, ClinGen allele CA341340154.